The following is an entry in ClinVar:

ClinVar aggregate classification (germline): Uncertain significance. Review status: criteria provided, multiple submitters, no conflicts (2 of 4 stars). 2 submissions from 2 submitters: Uncertain significance (2). Last evaluated 2021-03-25.

gnomAD v4.1: 1 of 1,614,160 alleles (0.000062%); highest among the groups gnomAD compares: Non-Finnish European, 0.000085%; no homozygotes.

Submissions (2):

Labcorp Genetics (formerly Invitae), Labcorp
Classification: Uncertain significance. Last evaluated: 2021-03-25. Review status: criteria provided, single submitter. Criteria: Invitae Variant Classification Sherloc (09022015). Collection method: clinical testing. Allele origin: germline.
Comment: In summary, the available evidence is currently insufficient to determine the role of this variant in disease. Therefore, it has been classified as a Variant of Uncertain Significance. Advanced modeling of protein sequence and biophysical properties (such as structural, functional, and spatial information, amino acid conservation, physicochemical variation, residue mobility, and thermodynamic stability) performed at Invitae indicates that this missense variant is not expected to disrupt CNGA3 protein function. This variant has been observed in individual(s) with achromatopsia (Invitae). In at least one individual the data is consistent with the variant being in trans (on the opposite chromosome) from a pathogenic variant. ClinVar contains an entry for this variant (Variation ID: 451881). This variant is not present in population databases (ExAC no frequency). This sequence change replaces threonine with proline at codon 501 of the CNGA3 protein (p.Thr501Pro). The threonine residue is weakly conserved and there is a small physicochemical difference between threonine and proline.

GeneDx
Classification: Uncertain significance. Last evaluated: 2017-09-19. Review status: criteria provided, single submitter. Criteria: GeneDx Variant Classification (06012015). Collection method: clinical testing. Allele origin: germline. Affected: yes.
Comment: The T501P variant in the CNGA3 gene has not been reported previously as a pathogenic variant, nor as a benign variant, to our knowledge. The T501P variant is not observed in large population cohorts (Lek et al., 2016; 1000 Genomes Consortium et al., 2015; Exome Variant Server). The T501P variant is a non-conservative amino acid substitution, which is likely to impact secondary protein structure as these residues differ in polarity, charge, size and/or other properties. However, this substitution occurs at a position that is not conserved, and in silico analysis is inconsistent in its predictions as to whether or not the variant is damaging to the protein structure/function. We interpret T501P as a variant of uncertain significance.

NM_001298.3(CNGA3):c.1501A>C (p.Thr501Pro)

Gene: CNGA3 (cyclic nucleotide gated channel subunit alpha 3; plus strand). Cytogenetic location: 2q11.2.
Variant type: single nucleotide variant.
Coding change: c.1501A>C on transcript NM_001298.3 (MANE Select); coding-DNA position 1501, A replaced by C.
Protein change: p.Thr501Pro; replaces threonine 501 with proline.
Molecular consequence: missense variant.
Genome position (GRCh38, 1-based): chr2:98,396,671, A>C. VCF-style: chr2-98396671-A-C. GRCh37 (hg19) VCF-style: chr2-99013134-A-C.
Other names: c.1447A>C, p.Thr483Pro (NM_001079878.2); short protein forms T501P, T483P.
Identifiers: ClinVar variation 451881 (VCV000451881.9), dbSNP rs1326071763, ClinGen allele CA347833679.